The following is an entry in ClinVar:

NM_005045.4(RELN):c.4718C>T (p.Thr1573Met)

Gene: RELN (reelin; minus strand). Cytogenetic location: 7q22.1.
Variant type: single nucleotide variant.
Coding change: c.4718C>T on transcript NM_005045.4 (MANE Select); coding-DNA position 4718, C replaced by T.
Protein change: p.Thr1573Met; replaces threonine 1573 with methionine.
Molecular consequence: missense variant.
Genome position (GRCh38, 1-based): chr7:103,566,630, G>A on the plus strand (C>T on the coding strand, the complement: RELN is on the minus strand). VCF-style: chr7-103566630-G-A. GRCh37 (hg19) VCF-style: chr7-103207077-G-A.
Other names: c.4718C>T, p.Thr1573Met (NM_173054.3); short protein forms T1573M.
Identifiers: ClinVar variation 1383699 (VCV001383699.9), dbSNP rs762922371, ClinGen allele CA368748398.

ClinVar aggregate classification (germline): Uncertain significance. Review status: criteria provided, multiple submitters, no conflicts (2 of 4 stars). 2 submissions from 2 submitters: Uncertain significance (2). Last evaluated 2024-10-10.

Conditions:
Familial temporal lobe epilepsy 7. Identifiers: Orphanet 101046, MedGen C4225327, MONDO:0014639, OMIM 616436.
Norman-Roberts syndrome (LIS2). Also called: Lissencephaly 2 (Norman-Roberts type). Identifiers: Orphanet 89844, MedGen C0796089, MONDO:0009760, OMIM 257320.

Allele frequency attached by ClinVar (database versions not stated): gnomAD exomes below 0.00001; TOPMed below 0.00001.
gnomAD v4.1: 1 of 1,614,198 alleles (0.000062%); highest among the groups gnomAD compares: Non-Finnish European, 0.000085%; no homozygotes.

Submissions (2):

Blueprint Genetics
Classification: Uncertain significance. Last evaluated: 2024-10-10. Review status: criteria provided, single submitter. Criteria: ACMG Guidelines, 2015. Collection method: clinical testing. Allele origin: germline.

Labcorp Genetics (formerly Invitae), Labcorp
Classification: Uncertain significance for Familial temporal lobe epilepsy 7; Norman-Roberts syndrome. Last evaluated: 2023-12-11. Review status: criteria provided, single submitter. Criteria: Invitae Variant Classification Sherloc (09022015). Collection method: clinical testing. Allele origin: germline.
Comment: This sequence change replaces threonine, which is neutral and polar, with methionine, which is neutral and non-polar, at codon 1573 of the RELN protein (p.Thr1573Met). The frequency data for this variant in the population databases is considered unreliable, as metrics indicate poor data quality at this position in the gnomAD database. This variant has not been reported in the literature in individuals affected with RELN-related conditions. ClinVar contains an entry for this variant (Variation ID: 1383699). Advanced modeling of protein sequence and biophysical properties (such as structural, functional, and spatial information, amino acid conservation, physicochemical variation, residue mobility, and thermodynamic stability) performed at Invitae indicates that this missense variant is not expected to disrupt RELN protein function with a negative predictive value of 80%. In summary, the available evidence is currently insufficient to determine the role of this variant in disease. Therefore, it has been classified as a Variant of Uncertain Significance.